The following is an entry in ClinVar:

ClinVar aggregate classification (germline): Pathogenic (1 of 4 stars; one submission).

Conditions:
Ehlers-Danlos syndrome, dermatosparaxis type. Also called: EDS VIIC; Dermatosparaxis; Ehlers-Danlos syndrome, type VII, autosomal recessive. Identifiers: Orphanet 1901, MedGen C2700425, MONDO:0009161, OMIM 225410.

Submission:

Myriad Genetics, Inc.
Classification: Pathogenic for Ehlers-Danlos syndrome, dermatosparaxis type. Last evaluated: 2024-05-14. Review status: criteria provided, single submitter. Criteria: Myriad Autosomal Dominant, Autosomal Recessive and X-Linked Classification Criteria (2023). Collection method: clinical testing. Allele origin: unknown.
Comment: NM_014244.4(ADAMTS2):c.124_125ins16(A42Efs*29) is expected to be pathogenic in the context of Ehlers-Danlos syndrome, ADAMTS2-related. This variant is predicted to lead to an abnormal or absent protein product due to the creation of a premature termination codon in ADAMTS2, a gene where loss-of-function variants are known to be pathogenic. Please note: this variant was assessed in the context of healthy population screening.

NM_014244.5(ADAMTS2):c.124_125insAATATTTACATGTCTC (p.Ala42fs)

Gene: ADAMTS2 (ADAM metallopeptidase with thrombospondin type 1 motif 2; minus strand). Cytogenetic location: 5q35.3.
Variant type: Insertion.
Coding change: c.124_125insAATATTTACATGTCTC on transcript NM_014244.5 (MANE Select); coding-DNA positions 124 to 125, AATATTTACATGTCTC inserted.
Protein change: p.Ala42fs; shifts the reading frame from alanine 42.
Molecular consequence: frameshift variant.
Genome position: GRCh38 VCF-style: chr5-179345204-G-GGAGACATGTAAATATT. GRCh37 (hg19) VCF-style: chr5-178772205-G-GGAGACATGTAAATATT.
Other names: c.124_125insAATATTTACATGTCTC, p.Ala42fs (NM_021599.4); short protein forms A42fs.
Identifiers: ClinVar variation 5010768 (VCV005010768.1).